The following is an entry in ClinVar:

ClinVar aggregate classification (germline): Likely benign. Review status: criteria provided, multiple submitters, no conflicts (2 of 4 stars). 4 submissions from 4 submitters: Likely benign (4). Last evaluated 2026-01-26.

Conditions:
Adams-Oliver syndrome 5 (AOS5). Identifiers: Orphanet 974, MedGen C4014970, MONDO:0014459, OMIM 616028.

Allele frequency attached by ClinVar (database versions not stated): gnomAD 0.00001; TOPMed 0.00001; gnomAD exomes 0.00002; ExAC 0.00003; 1000 Genomes Project 30x 0.00016; 1000 Genomes Project 0.00020.
gnomAD v4.1: 43 of 1,612,666 alleles (0.0027%); highest among the groups gnomAD compares: Non-Finnish European, 0.0033%; no homozygotes.

Submissions (4):

Women's Health and Genetics/Laboratory Corporation of America, LabCorp
Classification: Likely benign. Last evaluated: 2026-01-26. Review status: criteria provided, single submitter. Criteria: LabCorp Variant Classification Summary - May 2015. Collection method: clinical testing. Allele origin: germline.
Comment: Variant summary: NOTCH1 c.743-6C>T alters a nucleotide located at a position not widely known to affect splicing. Consensus agreement among computation tools predict no significant impact on normal splicing. However, these predictions have yet to be confirmed by functional studies. The variant allele was found at a frequency of 2e-05 in 248298 control chromosomes. The available data on variant occurrences in the general population are insufficient to allow any conclusion about variant significance. To our knowledge, no occurrence of c.743-6C>T in individuals affected with NOTCH1-related conditions and no experimental evidence demonstrating its impact on protein function have been reported. ClinVar contains an entry for this variant (Variation ID: 680860). Based on the evidence outlined above, the variant was classified as likely benign.

Labcorp Genetics (formerly Invitae), Labcorp
Classification: Likely benign for Adams-Oliver syndrome 5. Last evaluated: 2025-10-28. Review status: criteria provided, single submitter. Criteria: Invitae Variant Classification Sherloc (09022015). Collection method: clinical testing. Allele origin: germline.

Blueprint Genetics
Classification: Likely benign. Last evaluated: 2024-03-05. Review status: criteria provided, single submitter. Criteria: ACMG Guidelines, 2015. Collection method: clinical testing. Allele origin: germline.

GeneDx
Classification: Likely benign. Last evaluated: 2018-03-16. Review status: criteria provided, single submitter. Criteria: GeneDx Variant Classification (06012015). Collection method: clinical testing. Allele origin: germline. Affected: yes.
Comment: This variant is considered likely benign or benign based on one or more of the following criteria: it is a conservative change, it occurs at a poorly conserved position in the protein, it is predicted to be benign by multiple in silico algorithms, and/or has population frequency not consistent with disease.

NM_017617.5(NOTCH1):c.743-6C>T

Genes: MIR4673 (microRNA 4673; minus strand), NOTCH1 (notch receptor 1; minus strand). Cytogenetic location: 9q34.3.
Variant type: single nucleotide variant.
Coding change: c.743-6C>T on transcript NM_017617.5 (MANE Select); 6 bases into the intron before coding-DNA position 743, C replaced by T.
Molecular consequence: intron variant. On other transcripts: non-coding transcript variant (1).
Genome position (GRCh38, 1-based): chr9:136,519,571, G>A on the plus strand (C>T on the coding strand, the complement: NOTCH1 is on the minus strand). VCF-style: chr9-136519571-G-A. GRCh37 (hg19) VCF-style: chr9-139414023-G-A.
Identifiers: ClinVar variation 680860 (VCV000680860.8), dbSNP rs200395304, ClinGen allele CA5342054.